The following is an entry in ClinVar:

NM_000157.4(GBA1):c.44T>C (p.Leu15Ser)

Gene: GBA1 (glucosylceramidase beta 1; minus strand). Cytogenetic location: 1q22.
Variant type: single nucleotide variant.
Coding change: c.44T>C on transcript NM_000157.4 (MANE Select); coding-DNA position 44, T replaced by C.
Protein change: p.Leu15Ser; replaces leucine 15 with serine.
Molecular consequence: missense variant. On other transcripts: intron variant (1).
Genome position (GRCh38, 1-based): chr1:155,240,701, A>G on the plus strand (T>C on the coding strand, the complement: GBA1 is on the minus strand). VCF-style: chr1-155240701-A-G. GRCh37 (hg19) VCF-style: chr1-155210492-A-G.
Other names: c.44T>C, p.Leu15Ser (NM_001005741.3, NM_001005742.3, NM_001171812.2); c.-146-624T>C (NM_001171811.2); short protein forms L15S.
Identifiers: ClinVar variation 2227653 (VCV002227653.4), dbSNP rs1141802, ClinGen allele CA30896586.

ClinVar aggregate classification (germline): Conflicting classifications of pathogenicity. Review status: criteria provided, conflicting classifications (1 of 4 stars). 2 submissions from 2 submitters: Pathogenic (1); Likely benign (1). Last evaluated 2024-04-30.

Conditions:
Gaucher disease type I (GD1). Also called: Gaucher's disease, type 1; GD 1; Type 1 Gaucher Disease; GAUCHER DISEASE, NONCEREBRAL JUVENILE; GBA DEFICIENCY; GD I. Identifiers: Orphanet 355, Orphanet 77259, MedGen C1961835, MONDO:0009265, OMIM 230800.

Allele frequency attached by ClinVar (database versions not stated): TOPMed 0.00002; gnomAD 0.00003; gnomAD exomes 0.00003; 1000 Genomes Project 30x 0.00016.
gnomAD v4.1: 45 of 1,613,664 alleles (0.0028%); highest among the groups gnomAD compares: South Asian, 0.035%; no homozygotes.

Submissions (2):

Foundation for Research in Genetics and Endocrinology, FRIGE's Institute of Human Genetics
Classification: Pathogenic for Gaucher disease type I. Last evaluated: 2024-04-30. Review status: criteria provided, single submitter. Criteria: ACMG Guidelines, 2015. Collection method: clinical testing. Allele origin: germline. Inheritance: Autosomal recessive inheritance. Affected: yes. Observed: 1 compound heterozygote.
Comment: A heterozygous variant in exon 2 of the GBA was detected. In summary, the variant meets our criteria to be classified as pathogenic.

Ambry Genetics
Classification: Likely benign. Last evaluated: 2021-07-23. Review status: criteria provided, single submitter. Criteria: Ambry Variant Classification Scheme 2023. Collection method: clinical testing. Allele origin: germline.